The following is an entry in ClinVar:

NM_004656.4(BAP1):c.424A>G (p.Asn142Asp)

Gene: BAP1 (BRCA1 associated deubiquitinase 1; minus strand). Cytogenetic location: 3p21.1.
Variant type: single nucleotide variant.
Coding change: c.424A>G on transcript NM_004656.4 (MANE Select); coding-DNA position 424, A replaced by G.
Protein change: p.Asn142Asp; replaces asparagine 142 with aspartic acid.
Molecular consequence: missense variant.
Genome position (GRCh38, 1-based): chr3:52,407,412, T>C on the plus strand (A>G on the coding strand, the complement: BAP1 is on the minus strand). VCF-style: chr3-52407412-T-C. GRCh37 (hg19) VCF-style: chr3-52441428-T-C.
Other names: c.424A>G, p.Asn142Asp (NM_001410772.1); short protein forms N142D.
Identifiers: ClinVar variation 3224468 (VCV003224468.1), dbSNP rs2153227942, ClinGen allele CA353110741.

ClinVar aggregate classification (germline): Uncertain significance (1 of 4 stars; one submission).

Conditions:
Hereditary cancer-predisposing syndrome. Also called: Tumor predisposition; Hereditary neoplastic syndrome; Hereditary Cancer Syndrome; Neoplastic Syndromes, Hereditary. Identifiers: Orphanet 140162, MedGen C0027672, MeSH D009386, MONDO:0015356.

Submission:

Ambry Genetics
Classification: Uncertain significance for Hereditary cancer-predisposing syndrome. Last evaluated: 2023-11-30. Review status: criteria provided, single submitter. Criteria: Ambry Variant Classification Scheme 2023. Collection method: clinical testing. Allele origin: germline.
Comment: The p.N142D variant (also known as c.424A>G), located in coding exon 6 of the BAP1 gene, results from an A to G substitution at nucleotide position 424. The asparagine at codon 142 is replaced by aspartic acid, an amino acid with highly similar properties. This amino acid position is conserved. In addition, the in silico prediction for this alteration is inconclusive. Since supporting evidence is limited at this time, the clinical significance of this alteration remains unclear.